The following is an entry in ClinVar:

ClinVar aggregate classification (germline): Conflicting classifications of pathogenicity. Review status: criteria provided, conflicting classifications (1 of 4 stars). 2 submissions from 2 submitters: Uncertain significance (1); Likely benign (1). Last evaluated 2025-10-01.

Conditions:
Hereditary cancer-predisposing syndrome. Also called: Neoplastic Syndromes, Hereditary; Hereditary Cancer Syndrome; Hereditary neoplastic syndrome; Tumor predisposition. Identifiers: Orphanet 140162, MedGen C0027672, MeSH D009386, MONDO:0015356.
Gastrointestinal stromal tumor. Also called: Gastrointestinal stromal tumor, somatic; Gastrointestinal stroma tumor. Identifiers: Orphanet 44890, MedGen C0238198, MeSH D046152, MONDO:0011719, OMIM 606764, HP:0100723.

Submissions (2):

Ambry Genetics
Classification: Uncertain significance for Hereditary cancer-predisposing syndrome. Last evaluated: 2025-10-01. Review status: criteria provided, single submitter. Criteria: Ambry Variant Classification Scheme 2023. Collection method: clinical testing. Allele origin: germline.
Comment: The c.2328G>A variant (also known as p.V776V), located in coding exon 16 of the KIT gene, results from a G to A substitution at nucleotide position 2328. This nucleotide substitution does not change the valine at codon 776. This nucleotide position is not well conserved in available vertebrate species. In silico splice site analysis predicts that this alteration may result in the creation or strengthening of a novel splice donor site. Based on the available evidence, the clinical significance of this variant remains unclear.

Labcorp Genetics (formerly Invitae), Labcorp
Classification: Likely benign for Gastrointestinal stromal tumor. Last evaluated: 2025-03-17. Review status: criteria provided, single submitter. Criteria: Invitae Variant Classification Sherloc (09022015). Collection method: clinical testing. Allele origin: germline.

NM_000222.3(KIT):c.2328G>A (p.Val776=)

Gene: KIT (KIT proto-oncogene, receptor tyrosine kinase; plus strand). Cytogenetic location: 4q12.
Variant type: single nucleotide variant.
Coding change: c.2328G>A on transcript NM_000222.3 (MANE Select); coding-DNA position 2328, G replaced by A.
Protein change: p.Val776=; no amino-acid change (valine 776 retained).
Molecular consequence: synonymous variant.
Genome position (GRCh38, 1-based): chr4:54,731,965, G>A. VCF-style: chr4-54731965-G-A. GRCh37 (hg19) VCF-style: chr4-55598131-G-A.
Other names: c.2316G>A, p.Val772= (NM_001093772.2, NM_001385292.1); c.2331G>A, p.Val777= (NM_001385284.1); c.2325G>A, p.Val775= (NM_001385285.1); c.2313G>A, p.Val771= (NM_001385286.1); c.2319G>A, p.Val773= (NM_001385288.1); c.2328G>A, p.Val776= (NM_001385290.1).
Identifiers: ClinVar variation 772562 (VCV000772562.9), dbSNP rs1578001457, ClinGen allele CA439291783.